The following is an entry in ClinVar:

ClinVar aggregate classification (germline): Uncertain significance (1 of 4 stars; one submission).

Conditions:
Hereditary sensory and autonomic neuropathy type 6. Also called: HSAN VI; Neuropathy, hereditary sensory and autonomic, type VI. Identifiers: Orphanet 314381, MedGen C3539003, MONDO:0013839, OMIM 614653.
Epidermolysis bullosa simplex 3, localized or generalized intermediate, with BP230 deficiency (EBS3). Also called: Epidermolysis bullosa simplex, autosomal recessive 2; Epidermolysis bullosa simplex due to BP230 deficiency. Identifiers: Orphanet 412181, MedGen C3809470, MONDO:0014180, OMIM 615425.

Allele frequency attached by ClinVar (database versions not stated): gnomAD 0.00001; gnomAD exomes 0.00001; TOPMed 0.00002.
gnomAD v4.1: 6 of 1,613,716 alleles (0.00037%); highest among the groups gnomAD compares: African/African-American, 0.0053%; no homozygotes.

Submission:

Labcorp Genetics (formerly Invitae), Labcorp
Classification: Uncertain significance for Epidermolysis bullosa simplex 3, localized or generalized intermediate, with BP230 deficiency; Hereditary sensory and autonomic neuropathy type 6. Last evaluated: 2019-05-10. Review status: criteria provided, single submitter. Criteria: Invitae Variant Classification Sherloc (09022015). Collection method: clinical testing. Allele origin: germline.
Comment: In summary, the available evidence is currently insufficient to determine the role of this variant in disease. Therefore, it has been classified as a Variant of Uncertain Significance. Algorithms developed to predict the effect of missense changes on protein structure and function (SIFT, PolyPhen-2, Align-GVGD) all suggest that this variant is likely to be tolerated, but these predictions have not been confirmed by published functional studies and their clinical significance is uncertain. This variant has not been reported in the literature in individuals with DST-related disease. This variant is present in population databases (rs771206867, ExAC 0.01%). This sequence change replaces tyrosine with asparagine at codon 1328 of the DST protein (p.Tyr1328Asn). The tyrosine residue is weakly conserved and there is a large physicochemical difference between tyrosine and asparagine.

NM_001723.7(DST):c.3982T>A (p.Tyr1328Asn)

Gene: DST (dystonin; minus strand). Cytogenetic location: 6p12.1.
Variant type: single nucleotide variant.
Coding change: c.3982T>A on transcript NM_001723.7 (MANE Plus Clinical); coding-DNA position 3982, T replaced by A.
Protein change: p.Tyr1328Asn; replaces tyrosine 1328 with asparagine.
Molecular consequence: missense variant. On other transcripts: intron variant (10).
Genome position (GRCh38, 1-based): chr6:56,620,052, A>T on the plus strand (T>A on the coding strand, the complement: DST is on the minus strand). VCF-style: chr6-56620052-A-T. GRCh37 (hg19) VCF-style: chr6-56484850-A-T.
Other names: c.4830+4478T>A (NM_001144769.5); c.4929+4478T>A (NM_001374722.1, NM_001374736.1); c.4956+4478T>A (NM_001374734.1); c.4416+4478T>A (NM_001144770.2); c.4296+4478T>A (NM_001374730.1, NM_001386100.1, NM_183380.4 and 1 more transcripts); c.3318+4478T>A (NM_015548.5); short protein forms Y1328N.
Identifiers: ClinVar variation 541468 (VCV000541468.10), dbSNP rs771206867, ClinGen allele CA3870619.
Genomic context (GRCh38, chr6:56,620,052, plus strand): 5'-CCCTGCATGATGTAGCCTGTGTGATCGGACACACTGGCAATGCATTTTCTCTACATGTAT[A>T]CTGAATTTCAGTTATTTTTCTTCTTGCTTCCAATTCAATTTTCTGCTTTTCTTTCAACTG-3'
Protein context (NP_001714.1, residues 1318-1338): EARRKITEIQ[Tyr1328Asn]TCRENALPVC